The following is an entry in ClinVar:

NM_001042646.3(TRAK1):c.821C>T (p.Thr274Met)

Gene: TRAK1 (trafficking kinesin protein 1; plus strand). Cytogenetic location: 3p22.1.
Variant type: single nucleotide variant.
Coding change: c.821C>T on transcript NM_001042646.3 (MANE Select); coding-DNA position 821, C replaced by T.
Protein change: p.Thr274Met; replaces threonine 274 with methionine.
Molecular consequence: missense variant. On other transcripts: non-coding transcript variant (1).
Genome position (GRCh38, 1-based): chr3:42,193,126, C>T. VCF-style: chr3-42193126-C-T. GRCh37 (hg19) VCF-style: chr3-42234618-C-T.
Other names: c.821C>T, p.Thr274Met (NM_001265608.2, NM_001349246.2, NM_001349247.2); c.599C>T, p.Thr200Met (NM_001265609.2, NM_001265610.1, NM_001349248.1 and 1 more transcripts); c.509C>T, p.Thr170Met (NM_001349245.1); c.647C>T, p.Thr216Met (NM_001410741.1, NM_014965.5); short protein forms T216M, T274M, T200M, T170M.
Identifiers: ClinVar variation 4633514 (VCV004633514.1).

ClinVar aggregate classification (germline): Uncertain significance (1 of 4 stars; one submission).

Conditions:
Inborn genetic diseases. Identifiers: MedGen C0950123, MeSH D030342.

gnomAD v4.1: 41 of 1,614,040 alleles (0.0025%); highest among the groups gnomAD compares: Middle Eastern, 0.033%; no homozygotes.

Submission:

Ambry Genetics
Classification: Uncertain significance for Inborn genetic diseases. Last evaluated: 2025-11-12. Review status: criteria provided, single submitter. Criteria: Ambry Variant Classification Scheme 2023. Collection method: clinical testing. Allele origin: germline.
Comment: The c.821C>T (p.T274M) alteration is located in exon 8 (coding exon 8) of the TRAK1 gene. This alteration results from a C to T substitution at nucleotide position 821, causing the threonine (T) at amino acid position 274 to be replaced by a methionine (M). Based on data from gnomAD, the T allele has an overall frequency of 0.001% (3/282808) total alleles studied. The highest observed frequency was 0.004% (1/24970) of African alleles. Based on insufficient or conflicting evidence, the clinical significance of this alteration remains unclear.